The following is an entry in ClinVar:

ClinVar aggregate classification (germline): Uncertain significance. Review status: criteria provided, multiple submitters, no conflicts (2 of 4 stars). 3 submissions from 3 submitters: Uncertain significance (3). Last evaluated 2025-12-09.

Conditions:
Epileptic encephalopathy. Identifiers: MedGen C0543888, HP:0200134.

Allele frequency attached by ClinVar (database versions not stated): gnomAD exomes 0.00011 and 0.00018; TOPMed 0.00011; gnomAD 0.00013 and 0.00014; ExAC 0.00023; ESP Exome Variant Server 0.00023.
gnomAD v4.1: 274 of 1,599,200 alleles (0.017%); highest among the groups gnomAD compares: Non-Finnish European, 0.023%; 1 homozygote.

Submissions (3):

Labcorp Genetics (formerly Invitae), Labcorp
Classification: Uncertain significance for Epileptic encephalopathy. Last evaluated: 2025-12-09. Review status: criteria provided, single submitter. Criteria: Invitae Variant Classification Sherloc (09022015). Collection method: clinical testing. Allele origin: germline.
Comment: This sequence change replaces alanine, which is neutral and non-polar, with threonine, which is neutral and polar, at codon 613 of the FASN protein (p.Ala613Thr). This variant is present in population databases (rs201599253, gnomAD 0.02%). This variant has not been reported in the literature in individuals affected with FASN-related conditions. ClinVar contains an entry for this variant (Variation ID: 808337). An algorithm developed to predict the effect of missense changes on protein structure and function (PolyPhen-2) suggests that this variant is likely to be tolerated. In summary, the available evidence is currently insufficient to determine the role of this variant in disease. Therefore, it has been classified as a Variant of Uncertain Significance.

CeGaT Center for Human Genetics Tuebingen
Classification: Uncertain significance. Last evaluated: 2017-03-01. Review status: criteria provided, single submitter. Criteria: CeGaT Center For Human Genetics Tuebingen Variant Classification Criteria Version 2. Collection method: clinical testing. Allele origin: germline. Affected: yes. Observed: 1 variant allele.

Breakthrough Genomics
Classification: Uncertain significance. Review status: criteria provided, single submitter. Criteria: ACMG Guidelines, 2015. Collection method: not provided. Allele origin: germline. Inheritance: Unknown mechanism. Affected: yes.

NM_004104.5(FASN):c.1837G>A (p.Ala613Thr)

Gene: FASN (fatty acid synthase; minus strand). Cytogenetic location: 17q25.3.
Variant type: single nucleotide variant.
Coding change: c.1837G>A on transcript NM_004104.5 (MANE Select); coding-DNA position 1837, G replaced by A.
Protein change: p.Ala613Thr; replaces alanine 613 with threonine.
Molecular consequence: missense variant.
Genome position (GRCh38, 1-based): chr17:82,090,408, C>T on the plus strand (G>A on the coding strand, the complement: FASN is on the minus strand). VCF-style: chr17-82090408-C-T. GRCh37 (hg19) VCF-style: chr17-80048284-C-T.
Other names: short protein forms A613T.
Identifiers: ClinVar variation 808337 (VCV000808337.48), dbSNP rs201599253, ClinGen allele CA8853017.